The following is an entry in ClinVar:

ClinVar aggregate classification (germline): Uncertain significance (1 of 4 stars; one submission).

Submission:

Labcorp Genetics (formerly Invitae), Labcorp
Classification: Uncertain significance. Last evaluated: 2024-10-15. Review status: criteria provided, single submitter. Criteria: Invitae Variant Classification Sherloc (09022015). Collection method: clinical testing. Allele origin: germline.
Comment: This variant, c.1259_1261del, results in the deletion of 1 amino acid(s) of the FSCN2 protein (p.His420del), but otherwise preserves the integrity of the reading frame. This variant is not present in population databases (gnomAD no frequency). This variant has not been reported in the literature in individuals affected with FSCN2-related conditions. Experimental studies and prediction algorithms are not available or were not evaluated, and the functional significance of this variant is currently unknown. In summary, the available evidence is currently insufficient to determine the role of this variant in disease. Therefore, it has been classified as a Variant of Uncertain Significance.

NM_012418.4(FSCN2):c.1184ACC[1] (p.His396del)

Gene: FSCN2 (fascin actin-bundling protein 2, retinal; plus strand). Cytogenetic location: 17q25.3.
Variant type: Microsatellite.
Coding change: c.1184ACC[1] on transcript NM_012418.4 (MANE Select); one copy of the 3-base unit ACC starting at c.1184; the reference has two copies in a row; one copy, 3 bases deleted.
Protein change: p.His396del; deletes histidine 396.
Molecular consequence: inframe deletion.
Genome position (GRCh38, 1-based): chr17:81,536,703-81,536,705, ACC deleted; deleting any 3 consecutive bases within chr17:81,536,698-81,536,705 gives the same sequence; the position shown is the placement nearest the transcript's 3' end. VCF-style (leftmost placement, unchanged base first): chr17-81536697-GCCA-G. GRCh37 (hg19) VCF-style: chr17-79503723-GCCA-G.
Other names: c.1256ACC[1], p.His420del (NM_001077182.3); short protein forms H396del, H420del.
Identifiers: ClinVar variation 2001155 (VCV002001155.4), dbSNP rs2544454516, ClinGen allele CA2580613260.